The following is an entry in ClinVar:

ClinVar aggregate classification (germline): Uncertain significance (1 of 4 stars; one submission).

gnomAD v4.1: 1 of 1,211,800 alleles (0.000083%); highest among the groups gnomAD compares: African/African-American, 0.0017%; no homozygotes.

Submission:

GeneDx
Classification: Uncertain significance. Last evaluated: 2025-01-24. Review status: criteria provided, single submitter. Criteria: GeneDx Variant Classification Process June 2021. Collection method: clinical testing. Allele origin: germline. Affected: yes.
Comment: Not observed at significant frequency in large population cohorts (gnomAD); In silico analysis supports that this missense variant has a deleterious effect on protein structure/function; Has not been previously published as pathogenic or benign to our knowledge

NM_001123385.2(BCOR):c.767A>G (p.His256Arg)

Genes: BCOR (BCL6 corepressor; minus strand), LOC126863239 (MED14-independent group 3 enhancer GRCh37_chrX:39932994-39934193; plus strand). Cytogenetic location: Xp11.4.
Variant type: single nucleotide variant.
Coding change: c.767A>G on transcript NM_001123385.2 (MANE Select); coding-DNA position 767, A replaced by G.
Protein change: p.His256Arg; replaces histidine 256 with arginine.
Molecular consequence: missense variant.
Genome position (GRCh38, 1-based): chrX:40,074,579, T>C on the plus strand (A>G on the coding strand, the complement: BCOR is on the minus strand). VCF-style: chrX-40074579-T-C. GRCh37 (hg19) VCF-style: chrX-39933832-T-C.
Other names: c.767A>G, p.His256Arg (NM_001123383.2, NM_001123384.2, NM_017745.6); short protein forms H256R.
Identifiers: ClinVar variation 4071586 (VCV004071586.1).